The following is an entry in ClinVar:

ClinVar aggregate classification (germline): Benign. Review status: criteria provided, multiple submitters, no conflicts (2 of 4 stars). 3 submissions from 3 submitters: Benign (3). Last evaluated 2026-01-15.

Conditions:
CARD9-related disorder. Also called: CARD9-related condition.
Predisposition to invasive fungal disease due to CARD9 deficiency (IMD103). Also called: Candidiasis, familial, 2, autosomal recessive; IMMUNODEFICIENCY 103, SUSCEPTIBILITY TO FUNGAL INFECTIONS; CARD9 IMMUNODEFICIENCY. Identifiers: Orphanet 457088, MedGen C1859353, MONDO:0008905, OMIM 212050.

Allele frequency attached by ClinVar (database versions not stated): gnomAD exomes 0.00045 and 0.00152; gnomAD 0.00049 and 0.00080; TOPMed 0.00090; ExAC 0.00145; 1000 Genomes Project 30x 0.00531; 1000 Genomes Project 0.00579.

Submissions (3):

Labcorp Genetics (formerly Invitae), Labcorp
Classification: Benign for Predisposition to invasive fungal disease due to CARD9 deficiency. Last evaluated: 2026-01-15. Review status: criteria provided, single submitter. Criteria: Invitae Variant Classification Sherloc (09022015). Collection method: clinical testing. Allele origin: germline.

PreventionGenetics, part of Exact Sciences
Classification: Benign for CARD9-related condition. Last evaluated: 2025-02-27. Review status: criteria provided, single submitter. Criteria: ACMG Guidelines, 2015. Collection method: clinical testing. Allele origin: germline.
Comment: This variant is classified as benign based on ACMG/AMP sequence variant interpretation guidelines (Richards et al. 2015 PMID: 25741868, with internal and published modifications).

Illumina Laboratory Services, Illumina
Classification: Benign for Predisposition to invasive fungal disease due to CARD9 deficiency. Last evaluated: 2018-01-12. Review status: criteria provided, single submitter. Criteria: ICSL Variant Classification Criteria 13 December 2019. Collection method: clinical testing. Allele origin: germline.
Comment: This variant was observed in the ICSL laboratory as part of a predisposition screen in an ostensibly healthy population. It had not been previously curated by ICSL or reported in the Human Gene Mutation Database (HGMD: prior to June 1st, 2018), and was therefore a candidate for classification through an automated scoring system. Utilizing variant allele frequency, disease prevalence and penetrance estimates, and inheritance mode, an automated score was calculated to assess if this variant is too frequent to cause the disease. Based on the score and internal cut-off values, a variant classified as benign is not then subjected to further curation. The score for this variant resulted in a classification of benign for this disease.

NM_052813.5(CARD9):c.627+4C>T

Gene: CARD9 (caspase recruitment domain family member 9; minus strand). Cytogenetic location: 9q34.3.
Variant type: single nucleotide variant.
Coding change: c.627+4C>T on transcript NM_052813.5 (MANE Select); 4 bases into the intron after coding-DNA position 627, C replaced by T.
Molecular consequence: intron variant.
Genome position (GRCh38, 1-based): chr9:136,370,837, G>A on the plus strand (C>T on the coding strand, the complement: CARD9 is on the minus strand). VCF-style: chr9-136370837-G-A. GRCh37 (hg19) VCF-style: chr9-139265289-G-A.
Other names: c.627+4C>T (NM_052814.4).
Identifiers: ClinVar variation 365849 (VCV000365849.16), dbSNP rs181987989, ClinGen allele CA5333070.